The following is an entry in ClinVar:

NM_004036.5(ADCY3):c.2967C>T (p.Pro989=)

Gene: ADCY3 (adenylate cyclase 3; minus strand). Cytogenetic location: 2p23.3.
Variant type: single nucleotide variant.
Coding change: c.2967C>T on transcript NM_004036.5 (MANE Select); coding-DNA position 2967, C replaced by T.
Protein change: p.Pro989=; no amino-acid change (proline 989 retained).
Molecular consequence: synonymous variant.
Genome position (GRCh38, 1-based): chr2:24,822,547, G>A on the plus strand (C>T on the coding strand, the complement: ADCY3 is on the minus strand). VCF-style: chr2-24822547-G-A. GRCh37 (hg19) VCF-style: chr2-25045416-G-A.
Other names: c.2970C>T, p.Pro990= (NM_001320613.2); c.3033C>T, p.Pro1011= (NM_001377128.1); c.2829C>T, p.Pro943= (NM_001377129.1); c.2415C>T, p.Pro805= (NM_001377130.1); c.2244C>T, p.Pro748= (NM_001377131.1); c.2967C>T, p.Pro989= (NM_001377132.1).
Identifiers: ClinVar variation 3059126 (VCV003059126.3), dbSNP rs139344556, ClinGen allele CA1553566.
Genomic context (GRCh38, chr2:24,822,547, plus strand): 5'-TCTCTGGCTACTGGGGTTAGCTACCTTGTTGGAGCTGGCAAAGCCATTGGTGTTGACATC[G>A]GGGGTGACTCCTGAAGCCGCCATATACGTGCTGCCAATGGTTTTGATCTTGGTGATCACC-3'
Protein context (NP_004027.2, residues 979-999): STYMAASGVT[Pro989=]DVNTNGFASS

ClinVar aggregate classification (germline): Likely benign. Review status: criteria provided, single submitter (1 of 4 stars). 2 submissions from 2 submitters: Likely benign (1). 1 of the submissions does not count toward it. Last evaluated 2025-06-11.

Conditions:
ADCY3-related disorder. Also called: ADCY3-related condition.

Allele frequency attached by ClinVar (database versions not stated): gnomAD exomes 0.00004; ExAC 0.00009; 1000 Genomes Project 30x 0.00031; gnomAD 0.00034; TOPMed 0.00037; 1000 Genomes Project 0.00040; ESP Exome Variant Server 0.00046.
gnomAD v4.1: 106 of 1,613,966 alleles (0.0066%); highest among the groups gnomAD compares: African/African-American, 0.12%; no homozygotes.

Submissions (2):

Labcorp Genetics (formerly Invitae), Labcorp
Classification: Likely benign. Last evaluated: 2025-06-11. Review status: criteria provided, single submitter. Criteria: Invitae Variant Classification Sherloc (09022015). Collection method: clinical testing. Allele origin: germline.

PreventionGenetics, part of Exact Sciences
Classification: Likely benign for ADCY3-related condition. Last evaluated: 2020-06-29. Review status: no assertion criteria provided. Collection method: clinical testing. Allele origin: germline. Not counted in ClinVar's aggregate classification.
Comment: This variant is classified as likely benign based on ACMG/AMP sequence variant interpretation guidelines (Richards et al. 2015 PMID: 25741868, with internal and published modifications).